The following is an entry in ClinVar:

ClinVar aggregate classification (germline): Conflicting classifications of pathogenicity. Review status: criteria provided, conflicting classifications (1 of 4 stars). 2 submissions from 2 submitters: Likely pathogenic (1); Uncertain significance (1). Last evaluated 2022-02-18.

Conditions:
Hypertrophic cardiomyopathy. Also called: HYPERTROPHIC MYOCARDIOPATHY. Identifiers: Orphanet 217569, MedGen C0007194, MeSH D002312, MONDO:0005045, HP:0001639.
TNNI3-related disorder. Also called: TNNI3-related condition; TNNI3-related disorders.

Submissions (2):

Labcorp Genetics (formerly Invitae), Labcorp
Classification: Uncertain significance for Hypertrophic cardiomyopathy. Last evaluated: 2022-02-18. Review status: criteria provided, single submitter. Criteria: Invitae Variant Classification Sherloc (09022015). Collection method: clinical testing. Allele origin: germline.
Comment: This variant, c.537_539del, results in the deletion of 1 amino acid(s) of the TNNI3 protein (p.Glu179del), but otherwise preserves the integrity of the reading frame. This variant is not present in population databases (gnomAD no frequency). This variant has not been reported in the literature in individuals affected with TNNI3-related conditions. Experimental studies and prediction algorithms are not available or were not evaluated, and the functional significance of this variant is currently unknown. In summary, the available evidence is currently insufficient to determine the role of this variant in disease. Therefore, it has been classified as a Variant of Uncertain Significance.

Rady Children's Institute for Genomic Medicine, Rady Children's Hospital San Diego
Classification: Likely pathogenic for TNNI3-Related Disorders. Review status: criteria provided, single submitter. Criteria: ACMG Guidelines, 2015. Collection method: clinical testing. Allele origin: germline. Affected: yes.
Comment: This 3-base pair in-frame deletion variant found in exon 7 of 8 leads to the loss of 1 amino acid residue but preserves the reading frame. This variant has not been previously reported or functionally characterized in the literature to our knowledge. However, a nearby in-frame deletion at p.Lys178del has been previously reported in individuals with hypertrophic cardiomyopathy (PMID: 12707239, 27532257) and restrictive cardiomyopathy (PMID: 21533915). The c.537_539del (p.Glu179del) variant is absent from the gnomAD population database and thus is presumed to be rare. Analysis of the parental samples was negative for the variant, indicating this variant likely occurred as a de novo event. Based on the available evidence, the c.537_539del (p.Glu179del) variant is classified as Likely Pathogenic.

NM_000363.5(TNNI3):c.534GGA[1] (p.Glu179del)

Gene: TNNI3 (troponin I3, cardiac type; minus strand). Cytogenetic location: 19q13.42.
Variant type: Microsatellite.
Coding change: c.534GGA[1] on transcript NM_000363.5 (MANE Select); one copy of the 3-base unit GGA starting at c.534; the reference has two copies in a row; one copy, 3 bases deleted; also written c.537_539del.
Protein change: p.Glu179del; deletes glutamic acid 179.
Molecular consequence: inframe deletion. On other transcripts: inframe indel (1).
Genome position (GRCh38, 1-based): chr19:55,154,040-55,154,042, TCC deleted on the plus strand (GGA on the coding strand, the reverse complement: TNNI3 is on the minus strand); deleting any 3 consecutive bases within chr19:55,154,040-55,154,046 gives the same sequence; the position shown is the placement nearest the transcript's 3' end. VCF-style (leftmost placement, unchanged base first): chr19-55154039-GTCC-G. GRCh37 (hg19) VCF-style: chr19-55665407-GTCC-G.
Other names: c.533_535AGG[1], p.Glu179del (NM_000363.4); c.537_539del (NM_000363.4); short protein forms E179del.
Identifiers: ClinVar variation 2098796 (VCV002098796.5), dbSNP rs2515498227, ClinGen allele CA2580614977.